The following is an entry in ClinVar:

NM_001365308.1(BMPER):c.220A>G (p.Asn74Asp)

Gene: BMPER (BMP binding endothelial regulator; plus strand). Cytogenetic location: 7p14.3.
Variant type: single nucleotide variant.
Coding change: c.220A>G on transcript NM_001365308.1 (MANE Select); coding-DNA position 220, A replaced by G.
Protein change: p.Asn74Asp; replaces asparagine 74 with aspartic acid.
Molecular consequence: missense variant.
Genome position (GRCh38, 1-based): chr7:33,937,289, A>G. VCF-style: chr7-33937289-A-G. GRCh37 (hg19) VCF-style: chr7-33976901-A-G.
Other names: c.220A>G, p.Asn74Asp (NM_133468.5); short protein forms N74D.
Identifiers: ClinVar variation 402429 (VCV000402429.22), dbSNP rs144030074, ClinGen allele CA4214974.

ClinVar aggregate classification (germline): Conflicting classifications of pathogenicity. Review status: criteria provided, conflicting classifications (1 of 4 stars). 5 submissions from 5 submitters: Uncertain significance (2); Likely benign (3). Last evaluated 2026-01-18.

Conditions:
Diaphanospondylodysostosis. Also called: VERTEBRAL OSSIFICATION, DEFECT IN, WITH NEPHROGENIC RESTS. Identifiers: Orphanet 66637, MedGen C1842691, MONDO:0011946, OMIM 608022.

Allele frequency attached by ClinVar (database versions not stated): 1000 Genomes Project 0.00020; 1000 Genomes Project 30x 0.00031; gnomAD 0.00147 and 0.00149; TOPMed 0.00150; gnomAD exomes 0.00175 and 0.00262; ExAC 0.00182; ESP Exome Variant Server 0.00208.
gnomAD v4.1: 4,121 of 1,613,806 alleles (0.26%); highest among the groups gnomAD compares: Non-Finnish European, 0.3%; 9 homozygotes.

Submissions (5):

Labcorp Genetics (formerly Invitae), Labcorp
Classification: Likely benign. Last evaluated: 2026-01-18. Review status: criteria provided, single submitter. Criteria: Invitae Variant Classification Sherloc (09022015). Collection method: clinical testing. Allele origin: germline.

CeGaT Center for Human Genetics Tuebingen
Classification: Likely benign. Last evaluated: 2026-01-01. Review status: criteria provided, single submitter. Criteria: CeGaT Center For Human Genetics Tuebingen Variant Classification Criteria Version 2. Collection method: clinical testing. Allele origin: germline. Affected: yes. Observed: 1 variant allele.
Comment: BMPER: BS2

Blueprint Genetics
Classification: Likely benign. Last evaluated: 2024-10-25. Review status: criteria provided, single submitter. Criteria: ACMG Guidelines, 2015. Collection method: clinical testing. Allele origin: germline.

Illumina Laboratory Services, Illumina
Classification: Uncertain significance for Diaphanospondylodysostosis. Last evaluated: 2018-01-13. Review status: criteria provided, single submitter. Criteria: ICSL Variant Classification Criteria 13 December 2019. Collection method: clinical testing. Allele origin: germline.

Laboratory for Molecular Medicine, Mass General Brigham Personalized Medicine
Classification: Uncertain significance. Last evaluated: 2016-03-29. Review status: criteria provided, single submitter. Criteria: LMM Criteria. Collection method: clinical testing. Allele origin: germline.
Comment: Variant identified in a genome or exome case(s) and assessed due to predicted null impact of the variant or pathogenic assertions in the literature or databases. Disclaimer: This variant has not undergone full assessment. The following are preliminary notes: ExAC frequency. Not reported. Next to splice junction and LOF variants in gene are associated with autosomal recessive diaphanospondylodysostosis.